The following is an entry in ClinVar:

NM_015602.4(TOR1AIP1):c.305G>A (p.Ser102Asn)

Genes: TOR1AIP1 (torsin 1A interacting protein 1; plus strand), LOC112577517 (Sharpr-MPRA regulatory region 13766; plus strand). Cytogenetic location: 1q25.2.
Variant type: single nucleotide variant.
Coding change: c.305G>A on transcript NM_015602.4 (MANE Select); coding-DNA position 305, G replaced by A.
Protein change: p.Ser102Asn; replaces serine 102 with asparagine.
Molecular consequence: missense variant.
Genome position (GRCh38, 1-based): chr1:179,882,807, G>A. VCF-style: chr1-179882807-G-A. GRCh37 (hg19) VCF-style: chr1-179851942-G-A.
Other names: c.305G>A, p.Ser102Asn (NM_001267578.2); c.305G>A (NM_015602.2); short protein forms S102N.
Identifiers: ClinVar variation 951528 (VCV000951528.10), dbSNP rs375448136, ClinGen allele CA33712440.
Genomic context (GRCh38, chr1:179,882,807, plus strand): 5'-GAAAACGAACCCGGCTAGAAGAGTTCCGGTCCGATTCTGCGAAAGAGGAAGTGAGAGAAA[G>A]CGCGTACTACCTTCGGTCTAGGCAGCGGAGGCAGCCGCGACCCCAGGAAACCGAGGAAAT-3'
Protein context (NP_056417.2, residues 92-112): SDSAKEEVRE[Ser102Asn]AYYLRSRQRR

ClinVar aggregate classification (germline): Uncertain significance. Review status: criteria provided, multiple submitters, no conflicts (2 of 4 stars). 4 submissions from 4 submitters: Uncertain significance (4). Last evaluated 2025-09-08.

Conditions:
Autosomal recessive limb-girdle muscular dystrophy type 2Y (MRRSDC). Also called: Muscular dystrophy, limb-girdle, type 2y; Muscular dystrophy, autosomal recessive, with rigid spine and distal joint contractures. Identifiers: Orphanet 424261, MedGen C4511482, MONDO:0014900, OMIM 617072.
Inborn genetic diseases. Identifiers: MedGen C0950123, MeSH D030342.

Allele frequency attached by ClinVar (database versions not stated): gnomAD exomes below 0.00001 and 0.00003; TOPMed 0.00002; gnomAD 0.00003.
gnomAD v4.1: 53 of 1,614,104 alleles (0.0033%); highest among the groups gnomAD compares: South Asian, 0.014%; 2 homozygotes.

Submissions (4):

Ambry Genetics
Classification: Uncertain significance for Inborn genetic diseases. Last evaluated: 2025-09-08. Review status: criteria provided, single submitter. Criteria: Ambry Variant Classification Scheme 2023. Collection method: clinical testing. Allele origin: germline.

Labcorp Genetics (formerly Invitae), Labcorp
Classification: Uncertain significance for Autosomal recessive limb-girdle muscular dystrophy type 2Y. Last evaluated: 2024-05-20. Review status: criteria provided, single submitter. Criteria: Invitae Variant Classification Sherloc (09022015). Collection method: clinical testing. Allele origin: germline.
Comment: This sequence change replaces serine, which is neutral and polar, with asparagine, which is neutral and polar, at codon 102 of the TOR1AIP1 protein (p.Ser102Asn). This variant is present in population databases (no rsID available, gnomAD 0.003%). This variant has not been reported in the literature in individuals affected with TOR1AIP1-related conditions. ClinVar contains an entry for this variant (Variation ID: 951528). An algorithm developed to predict the effect of missense changes on protein structure and function (PolyPhen-2) suggests that this variant is likely to be disruptive. In summary, the available evidence is currently insufficient to determine the role of this variant in disease. Therefore, it has been classified as a Variant of Uncertain Significance.

Genome-Nilou Lab
Classification: Uncertain significance for Autosomal recessive limb-girdle muscular dystrophy type 2Y. Last evaluated: 2023-04-11. Review status: criteria provided, single submitter. Criteria: ACMG Guidelines, 2015. Collection method: clinical testing. Allele origin: germline. Affected: no.

Revvity Omics, Revvity
Classification: Uncertain significance. Last evaluated: 2019-08-07. Review status: criteria provided, single submitter. Criteria: ACMG Guidelines, 2015. Collection method: clinical testing. Allele origin: germline.